The following is an entry in ClinVar:

NM_019109.5(ALG1):c.200G>C (p.Gly67Ala)

Genes: ALG1 (ALG1 chitobiosyldiphosphodolichol beta-mannosyltransferase; plus strand), LOC130058384 (ATAC-STARR-seq lymphoblastoid active region 10349; plus strand). Cytogenetic location: 16p13.3.
Variant type: single nucleotide variant.
Coding change: c.200G>C on transcript NM_019109.5 (MANE Select); coding-DNA position 200, G replaced by C.
Protein change: p.Gly67Ala; replaces glycine 67 with alanine.
Molecular consequence: missense variant.
Genome position (GRCh38, 1-based): chr16:5,072,049, G>C. VCF-style: chr16-5072049-G-C. GRCh37 (hg19) VCF-style: chr16-5122050-G-C.
Other names: c.200G>C, p.Gly67Ala (NM_001438123.1); short protein forms G67A.
Identifiers: ClinVar variation 4702775 (VCV004702775.1).

ClinVar aggregate classification (germline): Uncertain significance (1 of 4 stars; one submission).

Conditions:
ALG1-congenital disorder of glycosylation. Also called: CONGENITAL DISORDER OF GLYCOSYLATION, TYPE Ik; ALG1-CDG; CDG Ik. Identifiers: Orphanet 79327, MedGen C2931005, MONDO:0012052, OMIM 608540.

gnomAD v4.1: 8 of 1,577,994 alleles (0.00051%); highest among the groups gnomAD compares: Non-Finnish European, 0.0006%; no homozygotes.

Submission:

Labcorp Genetics (formerly Invitae), Labcorp
Classification: Uncertain significance for ALG1-congenital disorder of glycosylation. Last evaluated: 2025-05-09. Review status: criteria provided, single submitter. Criteria: Invitae Variant Classification Sherloc (09022015). Collection method: clinical testing. Allele origin: germline.
Comment: This sequence change replaces glycine, which is neutral and non-polar, with alanine, which is neutral and non-polar, at codon 67 of the ALG1 protein (p.Gly67Ala). This variant is present in population databases (no rsID available, gnomAD 0.001%). This variant has not been reported in the literature in individuals affected with ALG1-related conditions. Invitae Evidence Modeling of protein sequence and biophysical properties (such as structural, functional, and spatial information, amino acid conservation, physicochemical variation, residue mobility, and thermodynamic stability) indicates that this missense variant is expected to disrupt ALG1 protein function with a positive predictive value of 95%. In summary, the available evidence is currently insufficient to determine the role of this variant in disease. Therefore, it has been classified as a Variant of Uncertain Significance.